The following is an entry in ClinVar:

NM_002103.5(GYS1):c.1185G>A (p.Thr395=)

Gene: GYS1 (glycogen synthase 1; minus strand). Cytogenetic location: 19q13.33.
Variant type: single nucleotide variant.
Coding change: c.1185G>A on transcript NM_002103.5 (MANE Select); coding-DNA position 1185, G replaced by A.
Protein change: p.Thr395=; no amino-acid change (threonine 395 retained).
Molecular consequence: synonymous variant. On other transcripts: non-coding transcript variant (1).
Genome position (GRCh38, 1-based): chr19:48,978,142, C>T on the plus strand (G>A on the coding strand, the complement: GYS1 is on the minus strand). VCF-style: chr19-48978142-C-T. GRCh37 (hg19) VCF-style: chr19-49481399-C-T.
Other names: c.993G>A, p.Thr331= (NM_001161587.2); c.1185G>A (NM_002103.4).
Identifiers: ClinVar variation 2153055 (VCV002153055.5), dbSNP rs777198699, ClinGen allele CA508083161.

ClinVar aggregate classification (germline): Likely benign. Review status: criteria provided, multiple submitters, no conflicts (2 of 4 stars). 2 submissions from 2 submitters: Likely benign (2). Last evaluated 2025-07-02.

Conditions:
Glycogen storage disease due to muscle and heart glycogen synthase deficiency. Also called: GSD 0b; MUSCLE GLYCOGEN SYNTHASE DEFICIENCY. Identifiers: Orphanet 137625, MedGen C1969054, MONDO:0012693, OMIM 611556.
GYS1-related disorder. Also called: GYS1-related condition.

Allele frequency attached by ClinVar (database versions not stated): gnomAD 0.00002.

Submissions (2):

PreventionGenetics, part of Exact Sciences
Classification: Likely benign for GYS1-related condition. Last evaluated: 2025-07-02. Review status: criteria provided, single submitter. Criteria: ACMG Guidelines, 2015. Collection method: clinical testing. Allele origin: germline.
Comment: This variant is classified as likely benign based on ACMG/AMP sequence variant interpretation guidelines (Richards et al. 2015 PMID: 25741868, with internal and published modifications).

Labcorp Genetics (formerly Invitae), Labcorp
Classification: Likely benign for Glycogen storage disease due to muscle and heart glycogen synthase deficiency. Last evaluated: 2025-03-22. Review status: criteria provided, single submitter. Criteria: Invitae Variant Classification Sherloc (09022015). Collection method: clinical testing. Allele origin: germline.